The following is an entry in ClinVar:

ClinVar aggregate classification (germline): Pathogenic/Likely pathogenic. Review status: criteria provided, multiple submitters, no conflicts (2 of 4 stars). 3 submissions from 3 submitters: Pathogenic (1); Likely pathogenic (1). 1 of the submissions does not count toward it. Last evaluated 2026-01-16.

Conditions:
Polycystic kidney disease 4 (PKD4). Also called: Autosomal Recessive Polycystic Kidney Disease – PKHD1; POLYCYSTIC KIDNEY AND HEPATIC DISEASE 1; POLYCYSTIC KIDNEY DISEASE, INFANTILE, TYPE I; PKD3; POLYCYSTIC KIDNEY DISEASE 4 WITH OR WITHOUT POLYCYSTIC LIVER DISEASE. Identifiers: MedGen C4540575, MONDO:0033004, OMIM 263200.
Autosomal recessive polycystic kidney disease (ARPKD). Also called: AR polycystic kidney disease. Identifiers: Orphanet 731, Orphanet 8378, MedGen C0085548, MeSH D017044, MONDO:0009889.

Allele frequency attached by ClinVar (database versions not stated): gnomAD exomes below 0.00001.
gnomAD v4.1: 1 of 1,614,120 alleles (0.000062%); highest among the groups gnomAD compares: African/African-American, 0.0013%; no homozygotes.

Submissions (3):

Labcorp Genetics (formerly Invitae), Labcorp
Classification: Pathogenic for Autosomal recessive polycystic kidney disease. Last evaluated: 2026-01-16. Review status: criteria provided, single submitter. Criteria: Invitae Variant Classification Sherloc (09022015). Collection method: clinical testing. Allele origin: germline.
Comment: This sequence change creates a premature translational stop signal (p.Trp365*) in the PKHD1 gene. It is expected to result in an absent or disrupted protein product. Loss-of-function variants in PKHD1 are known to be pathogenic (PMID: 19940839). This variant is not present in population databases (gnomAD no frequency). This premature translational stop signal has been observed in individual(s) with polycystic kidney disease (PMID: 19940839). ClinVar contains an entry for this variant (Variation ID: 550391). For these reasons, this variant has been classified as Pathogenic.

Women's Health and Genetics/Laboratory Corporation of America, LabCorp
Classification: Likely pathogenic for Autosomal recessive polycystic kidney disease. Last evaluated: 2023-02-19. Review status: criteria provided, single submitter. Criteria: LabCorp Variant Classification Summary - May 2015. Collection method: clinical testing. Allele origin: germline.
Comment: Variant summary: PKHD1 c.1095G>A (p.Trp365X) results in a premature termination codon, predicted to cause a truncation of the encoded protein or absence of the protein due to nonsense mediated decay, which are commonly known mechanisms for disease. Truncations downstream of this position have been classified as pathogenic by our laboratory. The variant was absent in 251306 control chromosomes (gnomAD). c.1095G>A has been reported in the literature in at-least one individual affected with Polycystic Kidney And Hepatic Disease (example: Denamur_2010). To our knowledge, no experimental evidence demonstrating an impact on protein function has been reported. One clinical diagnostic laboratory has submitted clinical-significance assessments for this variant to ClinVar after 2014 and classified the variant as likely pathogenic. Based on the evidence outlined above, the variant was classified as likely pathogenic.

Counsyl
Classification: Likely pathogenic for Polycystic kidney disease 4. Last evaluated: 2017-01-25. Review status: no assertion criteria provided. Collection method: clinical testing. Allele origin: unknown. Not counted in ClinVar's aggregate classification.

Literature cited by the submitters: PubMed 19940839 (cited by 3 submitters); PubMed 30595564 (cited by Women's Health and Genetics/Laboratory Corporation of America, LabCorp).

NM_138694.4(PKHD1):c.1095G>A (p.Trp365Ter)

Gene: PKHD1 (PKHD1 ciliary IPT domain containing fibrocystin/polyductin; minus strand). Cytogenetic location: 6p12.2.
Variant type: single nucleotide variant.
Coding change: c.1095G>A on transcript NM_138694.4 (MANE Select); coding-DNA position 1095, G replaced by A.
Protein change: p.Trp365Ter; replaces tryptophan 365 with a stop codon.
Molecular consequence: nonsense.
Genome position (GRCh38, 1-based): chr6:52,062,542, C>T on the plus strand (G>A on the coding strand, the complement: PKHD1 is on the minus strand). VCF-style: chr6-52062542-C-T. GRCh37 (hg19) VCF-style: chr6-51927340-C-T.
Other names: c.1095G>A, p.Trp365Ter (NM_170724.3); short protein forms W365*.
Identifiers: ClinVar variation 550391 (VCV000550391.6), dbSNP rs1554219429, ClinGen allele CA364428421.